The following is an entry in ClinVar:

NM_000742.4(CHRNA2):c.482C>T (p.Thr161Ile)

Gene: CHRNA2 (cholinergic receptor nicotinic alpha 2 subunit; minus strand). Cytogenetic location: 8p21.2.
Variant type: single nucleotide variant.
Coding change: c.482C>T on transcript NM_000742.4 (MANE Select); coding-DNA position 482, C replaced by T.
Protein change: p.Thr161Ile; replaces threonine 161 with isoleucine.
Molecular consequence: missense variant. On other transcripts: intron variant (2).
Genome position (GRCh38, 1-based): chr8:27,463,961, G>A on the plus strand (C>T on the coding strand, the complement: CHRNA2 is on the minus strand). VCF-style: chr8-27463961-G-A. GRCh37 (hg19) VCF-style: chr8-27321478-G-A.
Other names: c.437C>T, p.Thr146Ile (NM_001282455.2); c.5C>T, p.Thr2Ile (NM_001347705.2, NM_001347706.2); c.-12-101C>T (NM_001347708.2); c.-9-104C>T (NM_001347707.2); short protein forms T146I, T161I, T2I.
Identifiers: ClinVar variation 1011209 (VCV001011209.7), dbSNP rs376045534, ClinGen allele CA4689644.

ClinVar aggregate classification (germline): Conflicting classifications of pathogenicity. Review status: criteria provided, conflicting classifications (1 of 4 stars). 2 submissions from 2 submitters: Uncertain significance (1); Likely benign (1). Last evaluated 2025-02-13.

Conditions:
Familial sleep-related hypermotor epilepsy. Also called: Autosomal Dominant Sleep-Related Hypermotor (Hyperkinetic) Epilepsy. Identifiers: Orphanet 98784, MedGen C3696898, MONDO:0000030.

Allele frequency attached by ClinVar (database versions not stated): gnomAD 0.00003; gnomAD exomes 0.00003 and 0.00004; TOPMed 0.00003; ExAC 0.00007; ESP Exome Variant Server 0.00008.
gnomAD v4.1: 48 of 1,614,084 alleles (0.003%); highest among the groups gnomAD compares: Non-Finnish European, 0.0039%; no homozygotes.

Submissions (2):

Labcorp Genetics (formerly Invitae), Labcorp
Classification: Uncertain significance. Last evaluated: 2025-02-13. Review status: criteria provided, single submitter. Criteria: Invitae Variant Classification Sherloc (09022015). Collection method: clinical testing. Allele origin: germline.
Comment: This sequence change replaces threonine, which is neutral and polar, with isoleucine, which is neutral and non-polar, at codon 161 of the CHRNA2 protein (p.Thr161Ile). This variant is present in population databases (rs376045534, gnomAD 0.008%). This variant has not been reported in the literature in individuals affected with CHRNA2-related conditions. ClinVar contains an entry for this variant (Variation ID: 1011209). Invitae Evidence Modeling of protein sequence and biophysical properties (such as structural, functional, and spatial information, amino acid conservation, physicochemical variation, residue mobility, and thermodynamic stability) indicates that this missense variant is expected to disrupt CHRNA2 protein function with a positive predictive value of 80%. In summary, the available evidence is currently insufficient to determine the role of this variant in disease. Therefore, it has been classified as a Variant of Uncertain Significance.

GeneDx
Classification: Likely benign. Last evaluated: 2020-09-10. Review status: criteria provided, single submitter. Criteria: GeneDx Variant Classification Process June 2021. Collection method: clinical testing. Allele origin: germline. Affected: yes.
Comment: In silico analysis supports that this missense variant has a deleterious effect on protein structure/function; Has not been previously published as pathogenic or benign to our knowledge